The following is an entry in ClinVar:

NM_000070.3(CAPN3):c.304C>T (p.Pro102Ser)

Gene: CAPN3 (calpain 3; plus strand). Cytogenetic location: 15q15.1.
Variant type: single nucleotide variant.
Coding change: c.304C>T on transcript NM_000070.3 (MANE Select); coding-DNA position 304, C replaced by T.
Protein change: p.Pro102Ser; replaces proline 102 with serine.
Molecular consequence: missense variant.
Genome position (GRCh38, 1-based): chr15:42,360,109, C>T. VCF-style: chr15-42360109-C-T. GRCh37 (hg19) VCF-style: chr15-42652307-C-T.
Other names: c.304C>T, p.Pro102Ser (NM_024344.2, NM_173087.2); short protein forms P102S.
Identifiers: ClinVar variation 1407933 (VCV001407933.13), dbSNP rs2141102957, ClinGen allele CA391995342.
Genomic context (GRCh38, chr15:42,360,109, plus strand): 5'-CCGGATGAGACCTCTCTCTTTTATAGCCAGAAGTTCCCCATCCAGTTCGTCTGGAAGAGA[C>T]CTCCGGTGAGTAGCTTCCTGCTTGCTGGCTGGGTTTTCCCCCCACGGAGGAGTCCTCTCA-3'
Protein context (NP_000061.1, residues 92-112): KFPIQFVWKR[Pro102Ser]PEICENPRFI

ClinVar aggregate classification (germline): Uncertain significance. Review status: criteria provided, multiple submitters, no conflicts (2 of 4 stars). 3 submissions from 3 submitters: Uncertain significance (3). Last evaluated 2026-03-01.

Conditions:
Autosomal recessive limb-girdle muscular dystrophy type 2A (LGMDR1). Also called: LEYDEN-MOEBIUS MUSCULAR DYSTROPHY; Calpainopathy; Muscular dystrophy, limb-girdle, type 2A, Amish; MUSCULAR DYSTROPHY, PELVOFEMORAL; Limb-girdle muscular dystrophy, type 2A. Identifiers: Orphanet 267, MedGen C1869123, MONDO:0009675, OMIM 253600. Disease mechanism: loss of function.

Submissions (3):

CeGaT Center for Human Genetics Tuebingen
Classification: Uncertain significance. Last evaluated: 2026-03-01. Review status: criteria provided, single submitter. Criteria: CeGaT Center For Human Genetics Tuebingen Variant Classification Criteria Version 2. Collection method: clinical testing. Allele origin: germline. Affected: yes. Observed: 1 variant allele.
Comment: CAPN3: PM2, PM3

Labcorp Genetics (formerly Invitae), Labcorp
Classification: Uncertain significance for Autosomal recessive limb-girdle muscular dystrophy type 2A. Last evaluated: 2025-10-07. Review status: criteria provided, single submitter. Criteria: Invitae Variant Classification Sherloc (09022015). Collection method: clinical testing. Allele origin: germline.
Comment: This sequence change replaces proline, which is neutral and non-polar, with serine, which is neutral and polar, at codon 102 of the CAPN3 protein (p.Pro102Ser). This variant is not present in population databases (gnomAD no frequency). This missense change has been observed in individual(s) with autosomal recessive limb-girdle muscular dystrophy (PMID: 16141003, 35169782). ClinVar contains an entry for this variant (Variation ID: 1407933). Invitae Evidence Modeling of protein sequence and biophysical properties (such as structural, functional, and spatial information, amino acid conservation, physicochemical variation, residue mobility, and thermodynamic stability) indicates that this missense variant is expected to disrupt CAPN3 protein function with a positive predictive value of 80%. In summary, the available evidence is currently insufficient to determine the role of this variant in disease. Therefore, it has been classified as a Variant of Uncertain Significance.

Neuberg Centre For Genomic Medicine, NCGM
Classification: Uncertain significance for Autosomal recessive limb-girdle muscular dystrophy type 2A. Last evaluated: 2023-05-20. Review status: criteria provided, single submitter. Criteria: ACMG Guidelines, 2015. Collection method: clinical testing. Allele origin: germline. Inheritance: Autosomal recessive inheritance. Affected: yes.
Comment: The missense variant c.304C>T(p.Pro102Ser) in the CAPN3 gene has been reported previously in an individual affected with limb girdle muscular dystrophy (Piluso et al., 2005). The variant is absent in the gnomAD Exomes. It is submitted to ClinVar as Uncertain Significance. However, study on multiple affected individuals and functional impact of the variant is not available. The amino acid Proline at position 102 is changed to a Serine changing protein sequence and it might alter its composition and physico-chemical properties. Multiple lines of computational evidence (Polyphen - Damaging, SIFT - Damaging and MutationTaster - Disease causing) predict a damaging effect on protein structure and function for this variant. The amino acid change p.Pro102Ser in CAPN3 is predicted as conserved by GERP++ and PhyloP across 100 vertebrates. However further literature and functional evidence will be required to prove the pathogenicity. For these reasons, this variant has been classified as Uncertain Significance.

Literature cited by the submitters: PubMed 16141003 (cited by Labcorp Genetics (formerly Invitae), Labcorp); PubMed 35169782 (cited by Labcorp Genetics (formerly Invitae), Labcorp).